The following is an entry in ClinVar:

ClinVar aggregate classification (germline): Uncertain significance. Review status: criteria provided, multiple submitters, no conflicts (2 of 4 stars). 3 submissions from 3 submitters: Uncertain significance (3). Last evaluated 2025-12-17.

Conditions:
Cardiovascular phenotype. Identifiers: MedGen CN230736.
Arrhythmogenic right ventricular dysplasia 12. Also called: ARRHYTHMOGENIC RIGHT VENTRICULAR DYSPLASIA, FAMILIAL, 12. Identifiers: MedGen C1969081, MONDO:0012684, OMIM 611528.
Naxos disease (NXD). Also called: KERATOSIS PALMOPLANTARIS WITH ARRHYTHMOGENIC CARDIOMYOPATHY; MAL DE NAXOS; PALMOPLANTAR KERATODERMA WITH ARRHYTHMOGENIC RIGHT VENTRICULAR CARDIOMYOPATHY AND WOOLLY HAIR; WOOLLY HAIR, PALMOPLANTAR KERATODERMA, AND CARDIAC ABNORMALITIES; CARDIOMYOPATHY, ARRHYTHMOGENIC RIGHT VENTRICULAR, WITH SKIN, HAIR, AND NAIL ABNORMALITIES. Identifiers: Orphanet 34217, MedGen C1832600, MONDO:0011017, OMIM 601214.

Allele frequency attached by ClinVar (database versions not stated): gnomAD exomes below 0.00001; ExAC 0.00001; gnomAD 0.00005; TOPMed 0.00007.
gnomAD v4.1: 10 of 1,614,046 alleles (0.00062%); highest among the groups gnomAD compares: African/African-American, 0.013%; no homozygotes.

Submissions (3):

Labcorp Genetics (formerly Invitae), Labcorp
Classification: Uncertain significance for Arrhythmogenic right ventricular dysplasia 12; Naxos disease. Last evaluated: 2025-12-17. Review status: criteria provided, single submitter. Criteria: Invitae Variant Classification Sherloc (09022015). Collection method: clinical testing. Allele origin: germline.
Comment: This sequence change replaces threonine, which is neutral and polar, with asparagine, which is neutral and polar, at codon 330 of the JUP protein (p.Thr330Asn). This variant is present in population databases (rs782145797, gnomAD 0.008%). This variant has not been reported in the literature in individuals affected with JUP-related conditions. ClinVar contains an entry for this variant (Variation ID: 201820). An algorithm developed to predict the effect of missense changes on protein structure and function (PolyPhen-2) suggests that this variant is likely to be disruptive. In summary, the available evidence is currently insufficient to determine the role of this variant in disease. Therefore, it has been classified as a Variant of Uncertain Significance.

Ambry Genetics
Classification: Uncertain significance for Cardiovascular phenotype. Last evaluated: 2025-01-16. Review status: criteria provided, single submitter. Criteria: Ambry Variant Classification Scheme 2023. Collection method: clinical testing. Allele origin: germline.
Comment: The p.T330N variant (also known as c.989C>A), located in coding exon 5 of the JUP gene, results from a C to A substitution at nucleotide position 989. The threonine at codon 330 is replaced by asparagine, an amino acid with similar properties. This amino acid position is conserved. In addition, this alteration is predicted to be tolerated by in silico analysis. Based on the available evidence, the clinical significance of this variant remains unclear.

GeneDx
Classification: Uncertain significance. Last evaluated: 2015-10-28. Review status: criteria provided, single submitter. Criteria: GeneDx Variant Classification (06012015). Collection method: clinical testing. Allele origin: germline. Affected: yes.
Comment: p.Thr330Asn (ACC>AAC): c.989 C>A in exon 6 of the JUP gene (NM_002230.2). The Thr330Asn variant in the JUP gene has not been reported as a disease-causing mutation or as a benign polymorphism to our knowledge. Although Thr330Asn results in a conservative amino acid substitution of one neutral, polar amino acid for another, this substitution occurs at a position that is well conserved across species. Consequently, in silico analysis predicts Thr330Asn is damaging to the protein structure/function. In addition, Thr330Asn was not observed in approximately 6500 individuals of European and African American ancestry in the NHLBI Exome Sequencing Project, indicating it is not a common benign variant in these populations. The variant is found in ARVC panel(s).

NM_002230.4(JUP):c.989C>A (p.Thr330Asn)

Gene: JUP (junction plakoglobin; minus strand). Cytogenetic location: 17q21.2.
Variant type: single nucleotide variant.
Coding change: c.989C>A on transcript NM_002230.4 (MANE Select); coding-DNA position 989, C replaced by A.
Protein change: p.Thr330Asn; replaces threonine 330 with asparagine.
Molecular consequence: missense variant.
Genome position (GRCh38, 1-based): chr17:41,764,988, G>T on the plus strand (C>A on the coding strand, the complement: JUP is on the minus strand). VCF-style: chr17-41764988-G-T. GRCh37 (hg19) VCF-style: chr17-39921240-G-T.
Other names: p.T330N:ACC>AAC; c.989C>A, p.Thr330Asn (NM_001352773.2, NM_001352774.2, NM_001352775.2 and 3 more transcripts); short protein forms T330N.
Identifiers: ClinVar variation 201820 (VCV000201820.9), dbSNP rs782145797, ClinGen allele CA308506.